The following is an entry in ClinVar:

NM_000343.4(SLC5A1):c.1129+7T>G

Gene: SLC5A1 (solute carrier family 5 member 1; plus strand). Cytogenetic location: 22q12.3.
Variant type: single nucleotide variant.
Coding change: c.1129+7T>G on transcript NM_000343.4 (MANE Select); 7 bases into the intron after coding-DNA position 1129, T replaced by G.
Molecular consequence: intron variant.
Genome position (GRCh38, 1-based): chr22:32,086,334, T>G. VCF-style: chr22-32086334-T-G. GRCh37 (hg19) VCF-style: chr22-32482321-T-G.
Other names: p.?; c.748+7T>G (NM_001256314.2).
Identifiers: ClinVar variation 341249 (VCV000341249.21), dbSNP rs5998233, ClinGen allele CA10198154.
Genomic context (GRCh38, chr22:32,086,334, plus strand): 5'-TTGGCTGTACCAACATCGCCTATCCAACCTTAGTGGTGGAGCTCATGCCCAATGGTGAGA[T>G]TCTTTCTTGGGAGGTTGGTAGAGTCTTTCTTGGGAGGCTGATTGGGTTTAGGCACCACCT-3'

ClinVar aggregate classification (germline): Benign/Likely benign. Review status: criteria provided, multiple submitters, no conflicts (2 of 4 stars). 7 submissions from 7 submitters: Benign (6); Likely benign (1). Last evaluated 2026-02-04.

Conditions:
Congenital glucose-galactose malabsorption (GGM). Also called: MONOSACCHARIDE MALABSORPTION; DIARRHEA 16. Identifiers: Orphanet 35710, MedGen C0268186, MONDO:0011731, OMIM 606824.

Allele frequency attached by ClinVar (database versions not stated): gnomAD exomes 0.36195; ExAC 0.37421; 1000 Genomes Project 0.45407; 1000 Genomes Project 30x 0.46721; gnomAD 0.47147; TOPMed 0.49382; ESP Exome Variant Server 0.52145.
gnomAD v4.1: 621,216 of 1,588,556 alleles (39%); highest among the groups gnomAD compares: African/African-American, 83%; 131,733 homozygotes.

Submissions (7):

Labcorp Genetics (formerly Invitae), Labcorp
Classification: Benign for Congenital glucose-galactose malabsorption. Last evaluated: 2026-02-04. Review status: criteria provided, single submitter. Criteria: Invitae Variant Classification Sherloc (09022015). Collection method: clinical testing. Allele origin: germline.

Blueprint Genetics
Classification: Likely benign. Last evaluated: 2024-11-28. Review status: criteria provided, single submitter. Criteria: ACMG Guidelines, 2015. Collection method: clinical testing. Allele origin: germline.

Mayo Clinic Laboratories, Mayo Clinic
Classification: Benign. Last evaluated: 2022-09-06. Review status: criteria provided, single submitter. Criteria: ACMG Guidelines, 2015. Collection method: clinical testing. Allele origin: germline. Observed: 111 variant alleles.

Genome-Nilou Lab
Classification: Benign for Congenital glucose-galactose malabsorption. Last evaluated: 2021-07-15. Review status: criteria provided, single submitter. Criteria: ACMG Guidelines, 2015. Collection method: clinical testing. Allele origin: germline. Affected: no.

Illumina Laboratory Services, Illumina
Classification: Benign for Congenital glucose-galactose malabsorption. Last evaluated: 2018-01-13. Review status: criteria provided, single submitter. Criteria: ICSL Variant Classification Criteria 13 December 2019. Collection method: clinical testing. Allele origin: germline.
Comment: This variant was observed in the ICSL laboratory as part of a predisposition screen in an ostensibly healthy population. It had not been previously curated by ICSL or reported in the Human Gene Mutation Database (HGMD: prior to June 1st, 2018), and was therefore a candidate for classification through an automated scoring system. Utilizing variant allele frequency, disease prevalence and penetrance estimates, and inheritance mode, an automated score was calculated to assess if this variant is too frequent to cause the disease. Based on the score and internal cut-off values, a variant classified as benign is not then subjected to further curation. The score for this variant resulted in a classification of benign for this disease.

Laboratory for Molecular Medicine, Mass General Brigham Personalized Medicine
Classification: Benign. Last evaluated: 2016-03-28. Review status: criteria provided, single submitter. Criteria: LMM Criteria. Collection method: clinical testing. Allele origin: germline.
Comment: Variant identified in a genome or exome case(s) and assessed due to predicted null impact of the variant or pathogenic assertions in the literature or databases. Disclaimer: This variant has not undergone full assessment. The following are preliminary notes: Frequency

Breakthrough Genomics
Classification: Benign. Review status: criteria provided, single submitter. Criteria: ACMG Guidelines, 2015. Collection method: not provided. Allele origin: germline. Inheritance: Autosomal recessive inheritance. Affected: yes.